The following is an entry in ClinVar:

NM_024007.5(EBF1):c.29G>A (p.Arg10Gln)

Gene: EBF1 (EBF transcription factor 1; minus strand). Cytogenetic location: 5q33.3.
Variant type: single nucleotide variant.
Coding change: c.29G>A on transcript NM_024007.5 (MANE Select); coding-DNA position 29, G replaced by A.
Protein change: p.Arg10Gln; replaces arginine 10 with glutamine.
Molecular consequence: missense variant. On other transcripts: 5 prime UTR variant (1).
Genome position (GRCh38, 1-based): chr5:159,099,450, C>T on the plus strand (G>A on the coding strand, the complement: EBF1 is on the minus strand). VCF-style: chr5-159099450-C-T. GRCh37 (hg19) VCF-style: chr5-158526458-C-T.
Other names: c.29G>A, p.Arg10Gln (NM_001290360.3, NM_001324101.2, NM_001324103.2 and 6 more transcripts); c.-466G>A (NM_001324111.2); short protein forms R10Q.
Identifiers: ClinVar variation 4985738 (VCV004985738.1).

ClinVar aggregate classification (germline): Uncertain significance (1 of 4 stars; one submission).

Conditions:
EBF1-related condition.

gnomAD v4.1: 6 of 1,595,042 alleles (0.00038%); highest among the groups gnomAD compares: Admixed American, 0.0017%; no homozygotes.

Submission:

PreventionGenetics, part of Exact Sciences
Classification: Uncertain significance for EBF1-related condition. Last evaluated: 2024-10-18. Review status: criteria provided, single submitter. Criteria: ACMG Guidelines, 2015. Collection method: clinical testing. Allele origin: germline.
Comment: The EBF1 c.29G>A variant is predicted to result in the amino acid substitution p.Arg10Gln. To our knowledge, this variant has not been reported in the literature. This variant is reported in 0.0019% of alleles in individuals of European (Non-Finnish) descent in gnomAD. At this time, the clinical significance of this variant is uncertain due to the absence of conclusive functional and genetic evidence.